The following is an entry in ClinVar:

ClinVar aggregate classification (germline): Uncertain significance. Review status: criteria provided, multiple submitters, no conflicts (2 of 4 stars). 2 submissions from 2 submitters: Uncertain significance (2). Last evaluated 2025-05-26.

Conditions:
Inborn genetic diseases. Identifiers: MedGen C0950123, MeSH D030342.

Allele frequency attached by ClinVar (database versions not stated): gnomAD 0.00001; TOPMed 0.00001; gnomAD exomes 0.00002.
gnomAD v4.1: 35 of 1,613,218 alleles (0.0022%); highest among the groups gnomAD compares: Non-Finnish European, 0.0028%; no homozygotes.

Submissions (2):

Ambry Genetics
Classification: Uncertain significance for Inborn genetic diseases. Last evaluated: 2025-05-26. Review status: criteria provided, single submitter. Criteria: Ambry Variant Classification Scheme 2023. Collection method: clinical testing. Allele origin: germline.

GeneDx
Classification: Uncertain significance. Last evaluated: 2022-03-01. Review status: criteria provided, single submitter. Criteria: GeneDx Variant Classification Process June 2021. Collection method: clinical testing. Allele origin: germline. Affected: yes.
Comment: Not observed at significant frequency in large population cohorts (gnomAD); In silico analysis supports that this missense variant does not alter protein structure/function; Has not been previously published as pathogenic or benign to our knowledge

NM_018444.4(PDP1):c.1504A>G (p.Lys502Glu)

Gene: PDP1 (pyruvate dehydrogenase phosphatase catalytic subunit 1; plus strand). Cytogenetic location: 8q22.1.
Variant type: single nucleotide variant.
Coding change: c.1504A>G on transcript NM_018444.4 (MANE Select); coding-DNA position 1504, A replaced by G.
Protein change: p.Lys502Glu; replaces lysine 502 with glutamic acid.
Molecular consequence: missense variant.
Genome position (GRCh38, 1-based): chr8:93,923,563, A>G. VCF-style: chr8-93923563-A-G. GRCh37 (hg19) VCF-style: chr8-94935791-A-G.
Other names: c.1579A>G, p.Lys527Glu (NM_001161779.2, NM_001161780.2); c.1504A>G, p.Lys502Glu (NM_001161781.2); short protein forms K502E, K527E.
Identifiers: ClinVar variation 1704128 (VCV001704128.3), dbSNP rs1034983010, ClinGen allele CA181376413.